The following is an entry in ClinVar:

NM_001267550.2(TTN):c.44743A>G (p.Thr14915Ala)

Gene: TTN (titin; minus strand). Cytogenetic location: 2q31.2.
Variant type: single nucleotide variant.
Coding change: c.44743A>G on transcript NM_001267550.2 (MANE Select); coding-DNA position 44743, A replaced by G.
Protein change: p.Thr14915Ala; replaces threonine 14915 with alanine.
Molecular consequence: missense variant.
Genome position (GRCh38, 1-based): chr2:178,624,537, T>C on the plus strand (A>G on the coding strand, the complement: TTN is on the minus strand). VCF-style: chr2-178624537-T-C. GRCh37 (hg19) VCF-style: chr2-179489264-T-C.
Other names: c.39820A>G, p.Thr13274Ala (NM_001256850.1); c.17548A>G, p.Thr5850Ala (NM_003319.4); c.37039A>G, p.Thr12347Ala (NM_133378.4); c.17923A>G, p.Thr5975Ala (NM_133432.3); c.18124A>G, p.Thr6042Ala (NM_133437.4); short protein forms T14915A, T13274A, T5850A, T5975A, T12347A, T6042A.
Identifiers: ClinVar variation 238782 (VCV000238782.30), dbSNP rs878854310, ClinGen allele CA10581869.
Genomic context (GRCh38, chr2:178,624,537, plus strand): 5'-GGTTACAGGAAGTCTTAAAATCCTTAGCATCACAAGTGTATGTTTTAATATCCTCTGGGG[T>C]ACAGTCATGTATAACAAGTTTTCTGACCCTGCCATCAGCAACAATTTCATACTTCTTGCT-3'
Protein context (NP_001254479.2, residues 14905-14925): RVRKLVIHDC[Thr14915Ala]PEDIKTYTCD

ClinVar aggregate classification (germline): Uncertain significance. Review status: criteria provided, multiple submitters, no conflicts (2 of 4 stars). 3 submissions from 3 submitters: Uncertain significance (3). Last evaluated 2022-07-19.

Conditions:
Dilated cardiomyopathy 1G (CMD1G). Identifiers: Orphanet 154, MedGen C1858763, MONDO:0011400, OMIM 604145.
Autosomal recessive limb-girdle muscular dystrophy type 2J (LGMDR10). Also called: Limb-girdle muscular dystrophy, type 2J; MUSCULAR DYSTROPHY, LIMB-GIRDLE, AUTOSOMAL RECESSIVE 10. Identifiers: Orphanet 140922, MedGen C1837342, MONDO:0012127, OMIM 608807.

Allele frequency attached by ClinVar (database versions not stated): gnomAD exomes below 0.00001; TOPMed below 0.00001.
gnomAD v4.1: 4 of 1,612,764 alleles (0.00025%); highest among the groups gnomAD compares: Non-Finnish European, 0.00025%; no homozygotes.

Submissions (3):

Revvity Omics, Revvity
Classification: Uncertain significance. Last evaluated: 2022-07-19. Review status: criteria provided, single submitter. Criteria: ACMG Guidelines, 2015. Collection method: clinical testing. Allele origin: germline.

CeGaT Center for Human Genetics Tuebingen
Classification: Uncertain significance. Last evaluated: 2022-03-01. Review status: criteria provided, single submitter. Criteria: CeGaT Center For Human Genetics Tuebingen Variant Classification Criteria Version 2. Collection method: clinical testing. Allele origin: germline. Affected: yes. Observed: 1 variant allele.
Comment: TTN: PM2, BP5

Labcorp Genetics (formerly Invitae), Labcorp
Classification: Uncertain significance for Dilated cardiomyopathy 1G; Autosomal recessive limb-girdle muscular dystrophy type 2J. Last evaluated: 2016-01-30. Review status: criteria provided, single submitter. Criteria: Invitae Variant Classification Sherloc (09022015). Collection method: clinical testing. Allele origin: germline.